The following is an entry in ClinVar:

NM_001035.3(RYR2):c.6293T>G (p.Leu2098Arg)

Gene: RYR2 (ryanodine receptor 2; plus strand). Cytogenetic location: 1q43.
Variant type: single nucleotide variant.
Coding change: c.6293T>G on transcript NM_001035.3 (MANE Select); coding-DNA position 6293, T replaced by G.
Protein change: p.Leu2098Arg; replaces leucine 2098 with arginine.
Molecular consequence: missense variant.
Genome position (GRCh38, 1-based): chr1:237,627,933, T>G. VCF-style: chr1-237627933-T-G. GRCh37 (hg19) VCF-style: chr1-237791233-T-G.
Other names: short protein forms L2098R.
Identifiers: ClinVar variation 1513813 (VCV001513813.9), dbSNP rs2148667139, ClinGen allele CA345411087.

ClinVar aggregate classification (germline): Uncertain significance (1 of 4 stars; one submission).

Conditions:
Catecholaminergic polymorphic ventricular tachycardia 1. Also called: RYR2-Related Catecholaminergic Polymorphic Ventricular Tachycardia; VENTRICULAR TACHYCARDIA, STRESS-INDUCED POLYMORPHIC 1; VENTRICULAR TACHYCARDIA, CATECHOLAMINERGIC POLYMORPHIC, 1, WITH OR WITHOUT ATRIAL DYSFUNCTION AND/OR DILATED CARDIOMYOPATHY. Identifiers: Orphanet 3286, MedGen C1631597, MONDO:0011484, OMIM 604772.

gnomAD v4.1: 2 of 1,613,434 alleles (0.00012%); highest among the groups gnomAD compares: Non-Finnish European, 0.00017%; no homozygotes.

Submission:

Labcorp Genetics (formerly Invitae), Labcorp
Classification: Uncertain significance for Catecholaminergic polymorphic ventricular tachycardia 1. Last evaluated: 2021-04-21. Review status: criteria provided, single submitter. Criteria: Invitae Variant Classification Sherloc (09022015). Collection method: clinical testing. Allele origin: germline.
Comment: In summary, the available evidence is currently insufficient to determine the role of this variant in disease. Therefore, it has been classified as a Variant of Uncertain Significance. Advanced modeling of protein sequence and biophysical properties (such as structural, functional, and spatial information, amino acid conservation, physicochemical variation, residue mobility, and thermodynamic stability) performed at Invitae indicates that this missense variant is expected to disrupt RYR2 protein function. This variant has not been reported in the literature in individuals with RYR2-related conditions. This variant is not present in population databases (ExAC no frequency). This sequence change replaces leucine with arginine at codon 2098 of the RYR2 protein (p.Leu2098Arg). The leucine residue is highly conserved and there is a moderate physicochemical difference between leucine and arginine.